The following is an entry in ClinVar:

NM_032119.4(ADGRV1):c.830A>G (p.His277Arg)

Gene: ADGRV1 (adhesion G protein-coupled receptor V1; plus strand). Cytogenetic location: 5q14.3.
Variant type: single nucleotide variant.
Coding change: c.830A>G on transcript NM_032119.4 (MANE Select); coding-DNA position 830, A replaced by G.
Protein change: p.His277Arg; replaces histidine 277 with arginine.
Molecular consequence: missense variant. On other transcripts: non-coding transcript variant (1).
Genome position (GRCh38, 1-based): chr5:90,627,368, A>G. VCF-style: chr5-90627368-A-G. GRCh37 (hg19) VCF-style: chr5-89923185-A-G.
Other names: short protein forms H277R.
Identifiers: ClinVar variation 2636738 (VCV002636738.2), dbSNP rs376150952, ClinGen allele CA360366166.

ClinVar aggregate classification (germline): Uncertain significance. Review status: criteria provided, multiple submitters, no conflicts (2 of 4 stars). 2 submissions from 2 submitters: Uncertain significance (2). Last evaluated 2025-06-27.

Conditions:
ADGRV1-related disorder. Also called: ADGRV1-related condition; ADGRV1-related disorders.

gnomAD v4.1: 3 of 1,613,966 alleles (0.00019%); highest among the groups gnomAD compares: Non-Finnish European, 0.00017%; no homozygotes.

Submissions (2):

GeneDx
Classification: Uncertain significance. Last evaluated: 2025-06-27. Review status: criteria provided, single submitter. Criteria: GeneDx Variant Classification Process June 2021. Collection method: clinical testing. Allele origin: germline. Affected: yes.
Comment: Not observed at significant frequency in large population cohorts (gnomAD); In silico analysis suggests that this missense variant does not alter protein structure/function; Has not been previously published as pathogenic or benign to our knowledge

PreventionGenetics, part of Exact Sciences
Classification: Uncertain significance for ADGRV1-related condition. Last evaluated: 2023-09-27. Review status: criteria provided, single submitter. Criteria: ACMG Guidelines, 2015. Collection method: clinical testing. Allele origin: germline.
Comment: The ADGRV1 c.830A>G variant is predicted to result in the amino acid substitution p.His277Arg. To our knowledge, this variant has not been reported in the literature or in a large population database, indicating this variant is rare. At this time, the clinical significance of this variant is uncertain due to the absence of conclusive functional and genetic evidence.